The following is an entry in ClinVar:

NM_006767.4(LZTR1):c.865A>T (p.Met289Leu)

Gene: LZTR1 (leucine zipper like post translational regulator 1; plus strand). Cytogenetic location: 22q11.21.
Variant type: single nucleotide variant.
Coding change: c.865A>T on transcript NM_006767.4 (MANE Select); coding-DNA position 865, A replaced by T.
Protein change: p.Met289Leu; replaces methionine 289 with leucine.
Molecular consequence: missense variant.
Genome position (GRCh38, 1-based): chr22:20,991,701, A>T. VCF-style: chr22-20991701-A-T. GRCh37 (hg19) VCF-style: chr22-21345990-A-T.
Other names: short protein forms M289L.
Identifiers: ClinVar variation 1304938 (VCV001304938.3), dbSNP rs2147964929, ClinGen allele CA410781294.

ClinVar aggregate classification (germline): Uncertain significance. Review status: criteria provided, multiple submitters, no conflicts (2 of 4 stars). 2 submissions from 2 submitters: Uncertain significance (2). Last evaluated 2026-07-25.

Conditions:
Hereditary cancer-predisposing syndrome. Also called: Neoplastic Syndromes, Hereditary; Tumor predisposition; Hereditary Cancer Syndrome; Hereditary neoplastic syndrome. Identifiers: Orphanet 140162, MedGen C0027672, MeSH D009386, MONDO:0015356.
Cardiovascular phenotype. Identifiers: MedGen CN230736.

Submissions (2):

Ambry Genetics
Classification: Uncertain significance for Cardiovascular phenotype; Hereditary cancer-predisposing syndrome. Last evaluated: 2026-07-25. Review status: criteria provided, single submitter. Criteria: Ambry Variant Classification Scheme 2023. Collection method: clinical testing. Allele origin: germline.
Comment: The p.M289L variant (also known as c.865A>T), located in coding exon 9 of the LZTR1 gene, results from an A to T substitution at nucleotide position 865. The methionine at codon 289 is replaced by leucine, an amino acid with highly similar properties. This amino acid position is conserved. In addition, the in silico prediction for this alteration is inconclusive. Based on the available evidence, the clinical significance of this variant remains unclear.

GeneDx
Classification: Uncertain significance. Last evaluated: 2019-11-20. Review status: criteria provided, single submitter. Criteria: GeneDx Variant Classification Process June 2021. Collection method: clinical testing. Allele origin: germline. Affected: yes.
Comment: Not observed in large population cohorts (Lek et al., 2016); In silico analysis, which includes protein predictors and evolutionary conservation, supports a deleterious effect; Has not been previously published as pathogenic or benign to our knowledge